The following is an entry in ClinVar:

NM_173598.6(KSR2):c.671T>C (p.Val224Ala)

Gene: KSR2 (kinase suppressor of ras 2; minus strand). Cytogenetic location: 12q24.23.
Variant type: single nucleotide variant.
Coding change: c.671T>C on transcript NM_173598.6 (MANE Select); coding-DNA position 671, T replaced by C.
Protein change: p.Val224Ala; replaces valine 224 with alanine.
Molecular consequence: missense variant.
Genome position (GRCh38, 1-based): chr12:117,761,326, A>G on the plus strand (T>C on the coding strand, the complement: KSR2 is on the minus strand). VCF-style: chr12-117761326-A-G. GRCh37 (hg19) VCF-style: chr12-118199131-A-G.
Other names: short protein forms V224A.
Identifiers: ClinVar variation 4981013 (VCV004981013.1).

ClinVar aggregate classification (germline): Uncertain significance (1 of 4 stars; one submission).

Conditions:
KSR2-related disorder. Also called: KSR2-related condition.

gnomAD v4.1: 11 of 1,558,282 alleles (0.00071%); highest among the groups gnomAD compares: Non-Finnish European, 0.00095%; no homozygotes.

Submission:

PreventionGenetics, part of Exact Sciences
Classification: Uncertain significance for KSR2-related condition. Last evaluated: 2024-12-18. Review status: criteria provided, single submitter. Criteria: ACMG Guidelines, 2015. Collection method: clinical testing. Allele origin: germline.
Comment: The KSR2 c.584T>C variant is predicted to result in the amino acid substitution p.Val195Ala. To our knowledge, this variant has not been reported in the literature. This variant is reported in 0.0021% of alleles in individuals of European (Non-Finnish) descent in gnomAD. At this time, the clinical significance of this variant is uncertain due to the absence of conclusive functional and genetic evidence.